The following is an entry in ClinVar:

ClinVar aggregate classification (germline): Uncertain significance. Review status: criteria provided, single submitter (1 of 4 stars). 2 submissions from 2 submitters: Uncertain significance (1). 1 of the submissions does not count toward it. Last evaluated 2024-02-17.

Conditions:
Leber congenital amaurosis (LCA). Also called: Leber's amaurosis. Identifiers: Orphanet 65, MedGen C0339527, MeSH D057130, MONDO:0018998.
Retinitis pigmentosa 12 (RP12). Also called: RP WITH OR WITHOUT PRESERVED PARAARTERIOLE RETINAL PIGMENT EPITHELIUM; RETINITIS PIGMENTOSA WITH OR WITHOUT PARAARTERIOLAR PRESERVATION OF RETINAL PIGMENT EPITHELIUM; RP WITH OR WITHOUT PPRPE. Identifiers: Orphanet 791, MedGen C1838647, MONDO:0010818, OMIM 600105.
Leber congenital amaurosis 8 (LCA8). Identifiers: Orphanet 65, MedGen C3151202, MONDO:0013453, OMIM 613835.

Allele frequency attached by ClinVar (database versions not stated): gnomAD exomes below 0.00001.
gnomAD v4.1: 1 of 1,614,086 alleles (0.000062%); highest among the groups gnomAD compares: Admixed American, 0.0017%; no homozygotes.

Submissions (2):

Labcorp Genetics (formerly Invitae), Labcorp
Classification: Uncertain significance for Leber congenital amaurosis 8; Retinitis pigmentosa 12. Last evaluated: 2024-02-17. Review status: criteria provided, single submitter. Criteria: Invitae Variant Classification Sherloc (09022015). Collection method: clinical testing. Allele origin: germline.
Comment: This sequence change replaces threonine, which is neutral and polar, with asparagine, which is neutral and polar, at codon 446 of the CRB1 protein (p.Thr446Asn). This variant is present in population databases (no rsID available, gnomAD 0.003%). This variant has not been reported in the literature in individuals affected with CRB1-related conditions. ClinVar contains an entry for this variant (Variation ID: 1420006). Advanced modeling of protein sequence and biophysical properties (such as structural, functional, and spatial information, amino acid conservation, physicochemical variation, residue mobility, and thermodynamic stability) has been performed at Invitae for this missense variant, however the output from this modeling did not meet the statistical confidence thresholds required to predict the impact of this variant on CRB1 protein function. In summary, the available evidence is currently insufficient to determine the role of this variant in disease. Therefore, it has been classified as a Variant of Uncertain Significance.

Natera, Inc.
Classification: Uncertain significance for Leber congenital amaurosis. Last evaluated: 2025-04-10. Review status: no assertion criteria provided. Collection method: clinical testing. Allele origin: germline. Not counted in ClinVar's aggregate classification.

NM_201253.3(CRB1):c.1337C>A (p.Thr446Asn)

Gene: CRB1 (crumbs cell polarity complex component 1; plus strand). Cytogenetic location: 1q31.3.
Variant type: single nucleotide variant.
Coding change: c.1337C>A on transcript NM_201253.3 (MANE Select); coding-DNA position 1337, C replaced by A.
Protein change: p.Thr446Asn; replaces threonine 446 with asparagine.
Molecular consequence: missense variant. On other transcripts: non-coding transcript variant (2).
Genome position (GRCh38, 1-based): chr1:197,421,165, C>A. VCF-style: chr1-197421165-C-A. GRCh37 (hg19) VCF-style: chr1-197390295-C-A.
Other names: c.1001C>A, p.Thr334Asn (NM_001193640.2); c.1130C>A, p.Thr377Asn (NM_001257965.2); c.1337C>A, p.Thr446Asn (NM_001257966.2); c.1337C>A (NM_201253.2); short protein forms T446N, T334N, T377N.
Identifiers: ClinVar variation 1420006 (VCV001420006.8), dbSNP rs1215864611, ClinGen allele CA344030435.